The following is an entry in ClinVar:

ClinVar aggregate classification (germline): Pathogenic (1 of 4 stars; one submission).

Conditions:
Anophthalmia-microphthalmia syndrome. Also called: Anophthalmia - microphthalmia; Anophthalmia/Microphthalmia. Identifiers: Orphanet 98555, MedGen C5680330, MONDO:0020147.

Submission:

Labcorp Genetics (formerly Invitae), Labcorp
Classification: Pathogenic for Anophthalmia-microphthalmia syndrome. Last evaluated: 2019-03-22. Review status: criteria provided, single submitter. Criteria: Invitae Variant Classification Sherloc (09022015). Collection method: clinical testing. Allele origin: germline.
Comment: For these reasons, this variant has been classified as Pathogenic. In addition, a different truncation (p.Gln97*) that lies downstream of this variant has been reported in individuals with coloboma or anophthalmia/microphthalmia, and determined to be pathogenic (PMID: 24033328, 24167467, 18781617). This variant disrupts the Otx tails within the C-terminal domain (amino acids 247-289), which are responsible for the transactivation activity of the OTX2 protein (PMID: 16607563). While functional studies have not been performed to directly test the effect of this variant on OTX2 protein function, this suggests that disruption of this region of the protein is causative of disease. This variant has not been reported in the literature in individuals with a OTX2-related disease. This variant is a gross deletion of the genomic region encompassing exons 2-3 of the OTX2 gene. The 5' boundary is likely confined to intron 1. The 3' end of this event is unknown as it extends through the termination codon beyond the assayed region for this gene and may encompass additional genes. While this deletion is not anticipated to result in nonsense mediated decay, it is expected to create a truncated protein product or disrupt mRNA translation.

Literature cited by the submitters: PubMed 24033328; PubMed 24167467; PubMed 18781617; PubMed 16607563.

NC_000014.9:g.(?_56801715)_(56804383_?)del

Gene: OTX2 (orthodenticle homeobox 2; minus strand). Cytogenetic location: 14q22.3.
Variant type: Deletion.
Identifiers: ClinVar variation 647944 (VCV000647944.9).